The following is an entry in ClinVar:

ClinVar aggregate classification (germline): Uncertain significance (1 of 4 stars; one submission).

Conditions:
Hereditary sensory and autonomic neuropathy type 6. Also called: Neuropathy, hereditary sensory and autonomic, type VI; HSAN VI. Identifiers: Orphanet 314381, MedGen C3539003, MONDO:0013839, OMIM 614653.
Epidermolysis bullosa simplex 3, localized or generalized intermediate, with BP230 deficiency (EBS3). Also called: Epidermolysis bullosa simplex, autosomal recessive 2; Epidermolysis bullosa simplex due to BP230 deficiency. Identifiers: Orphanet 412181, MedGen C3809470, MONDO:0014180, OMIM 615425.

Allele frequency attached by ClinVar (database versions not stated): gnomAD 0.00001; TOPMed 0.00001; ExAC 0.00002.
gnomAD v4.1: 23 of 1,539,026 alleles (0.0015%); highest among the groups gnomAD compares: Non-Finnish European, 0.0019%; no homozygotes.

Submission:

Labcorp Genetics (formerly Invitae), Labcorp
Classification: Uncertain significance for Epidermolysis bullosa simplex 3, localized or generalized intermediate, with BP230 deficiency; Hereditary sensory and autonomic neuropathy type 6. Last evaluated: 2020-05-26. Review status: criteria provided, single submitter. Criteria: Invitae Variant Classification Sherloc (09022015). Collection method: clinical testing. Allele origin: germline.
Comment: In summary, the available evidence is currently insufficient to determine the role of this variant in disease. Therefore, it has been classified as a Variant of Uncertain Significance. Algorithms developed to predict the effect of missense changes on protein structure and function are either unavailable or do not agree on the potential impact of this missense change (SIFT: "Tolerated"; PolyPhen-2: "Not Available"; Align-GVGD: "Class C0"). This variant has not been reported in the literature in individuals with DST-related conditions. The frequency data for this variant in the population databases is considered unreliable, as metrics indicate poor data quality at this position in the ExAC database. This sequence change replaces methionine with isoleucine at codon 1790 of the DST protein (p.Met1790Ile). The methionine residue is moderately conserved and there is a small physicochemical difference between the two amino acids. The DST gene has multiple clinically relevant transcripts. The p.Met1790Ile variant occurs in alternate transcript NM_015548.4, and corresponds to NM_001723.5:c.*42455G>T in the primary transcript.

NM_001374736.1(DST):c.13239G>T (p.Met4413Ile)

Gene: DST (dystonin; minus strand). Cytogenetic location: 6p12.1.
Variant type: single nucleotide variant.
Coding change: c.13239G>T on transcript NM_001374736.1 (MANE Select); coding-DNA position 13239, G replaced by T.
Protein change: p.Met4413Ile; replaces methionine 4413 with isoleucine.
Molecular consequence: missense variant.
Genome position (GRCh38, 1-based): chr6:56,573,062, C>A on the plus strand (G>T on the coding strand, the complement: DST is on the minus strand). VCF-style: chr6-56573062-C-A. GRCh37 (hg19) VCF-style: chr6-56437860-C-A.
Other names: c.6882G>T, p.Met2294Ile (NM_001144769.5); c.6468G>T, p.Met2156Ile (NM_001144770.2); c.13239G>T, p.Met4413Ile (NM_001374722.1); c.12606G>T, p.Met4202Ile (NM_001374729.1); c.6348G>T, p.Met2116Ile (NM_001374730.1, NM_183380.4); c.13266G>T, p.Met4422Ile (NM_001374734.1); c.5370G>T, p.Met1790Ile (NM_015548.5); short protein forms M2294I, M4422I, M1790I, M4413I, M2156I, M4202I, M2116I.
Identifiers: ClinVar variation 967004 (VCV000967004.6), dbSNP rs770123943, ClinGen allele CA3868244.